The following is an entry in ClinVar:

ClinVar aggregate classification (germline): Uncertain significance (1 of 4 stars; one submission).

Allele frequency attached by ClinVar (database versions not stated): gnomAD exomes below 0.00001; TOPMed below 0.00001; ExAC 0.00001; gnomAD 0.00001.
gnomAD v4.1: 2 of 1,614,076 alleles (0.00012%); highest among the groups gnomAD compares: African/African-American, 0.0013%; no homozygotes.

Submission:

Labcorp Genetics (formerly Invitae), Labcorp
Classification: Uncertain significance. Last evaluated: 2024-07-01. Review status: criteria provided, single submitter. Criteria: Invitae Variant Classification Sherloc (09022015). Collection method: clinical testing. Allele origin: germline.
Comment: This sequence change replaces aspartic acid, which is acidic and polar, with asparagine, which is neutral and polar, at codon 745 of the DSG1 protein (p.Asp745Asn). This variant is present in population databases (rs762914654, gnomAD 0.004%). This variant has not been reported in the literature in individuals affected with DSG1-related conditions. Advanced modeling of protein sequence and biophysical properties (such as structural, functional, and spatial information, amino acid conservation, physicochemical variation, residue mobility, and thermodynamic stability) performed at Invitae indicates that this missense variant is not expected to disrupt DSG1 protein function with a negative predictive value of 80%. In summary, the available evidence is currently insufficient to determine the role of this variant in disease. Therefore, it has been classified as a Variant of Uncertain Significance.

NM_001942.4(DSG1):c.2233G>A (p.Asp745Asn)

Genes: DSG1 (desmoglein 1; plus strand), DSG1-AS1 (DSG1 antisense RNA 1; minus strand), LOC126862720 (MED14-independent group 3 enhancer GRCh37_chr18:28933613-28934812; plus strand). Cytogenetic location: 18q12.1.
Variant type: single nucleotide variant.
Coding change: c.2233G>A on transcript NM_001942.4 (MANE Select); coding-DNA position 2233, G replaced by A.
Protein change: p.Asp745Asn; replaces aspartic acid 745 with asparagine.
Molecular consequence: missense variant. On other transcripts: non-coding transcript variant (1).
Genome position (GRCh38, 1-based): chr18:31,354,429, G>A. VCF-style: chr18-31354429-G-A. GRCh37 (hg19) VCF-style: chr18-28934392-G-A.
Other names: short protein forms D745N.
Identifiers: ClinVar variation 2809955 (VCV002809955.3), dbSNP rs762914654, ClinGen allele CA8926322.